The following is an entry in ClinVar:

NC_012920.1(MT-CYB):m.15204T>C

Gene: MT-CYB (mitochondrially encoded cytochrome b; plus strand).
Variant type: single nucleotide variant.
Genome position: chrM-15204-T-C.
Identifiers: ClinVar variation 693840 (VCV000693840.2), dbSNP rs28357687, ClinGen allele CA337100312.

ClinVar aggregate classification (germline): Benign/Likely benign. Review status: criteria provided, multiple submitters, no conflicts (2 of 4 stars). 2 submissions from 2 submitters: Benign (1); Likely benign (1). Last evaluated 2025-02-16.

Conditions:
Leigh syndrome (NULS). Also called: Leigh's necrotizing encephalopathy; Leigh's disease; Leigh's syndrome; LEIGH SYNDROME, NUCLEAR; Leigh Syndrome (mtDNA deletion); Leigh Disease. Identifiers: Orphanet 506, MedGen C2931891, MONDO:0009723, OMIM 256000.

Submissions (2):

Laboratory of Genetics, Children's Clinical University Hospital Latvia
Classification: Likely benign. Last evaluated: 2025-02-16. Review status: criteria provided, single submitter. Criteria: ACMG Guidelines, 2015. Collection method: clinical testing. Allele origin: germline. Affected: yes.

Wong Mito Lab, Molecular and Human Genetics, Baylor College of Medicine
Classification: Benign for Leigh syndrome. Last evaluated: 2019-10-17. Review status: criteria provided, single submitter. Criteria: Modified ACMG Guidelines (Unpublished). Collection method: clinical testing. Allele origin: germline.
Comment: The NC_012920.1:m.15204T>C (YP_003024038.1:p.Ile153Thr) variant in MTCYB gene is interpretated to be a Benign variant based on the modified ACMG guidelines (unpublished). This variant meets the following evidence codes: BA1